The following is an entry in ClinVar:

NM_000051.4(ATM):c.5274T>A (p.Asp1758Glu)

Gene: ATM (ATM serine/threonine kinase; plus strand). Cytogenetic location: 11q22.3.
Variant type: single nucleotide variant.
Coding change: c.5274T>A on transcript NM_000051.4 (MANE Select); coding-DNA position 5274, T replaced by A.
Protein change: p.Asp1758Glu; replaces aspartic acid 1758 with glutamic acid.
Molecular consequence: missense variant.
Genome position (GRCh38, 1-based): chr11:108,301,744, T>A. VCF-style: chr11-108301744-T-A. GRCh37 (hg19) VCF-style: chr11-108172471-T-A.
Other names: c.5274T>A, p.Asp1758Glu (NM_001351834.2); short protein forms D1758E.
Identifiers: ClinVar variation 489556 (VCV000489556.11), dbSNP rs913665369, ClinGen allele CA228387603.
Genomic context (GRCh38, chr11:108,301,744, plus strand): 5'-AAACATTTTAGCCACAAAGACTGGACATAGTTTCTGGGAGATTTATAAGATGACAACAGA[T>A]CCAATGCTGGCCTATCTACAGCCTTTTAGAACATCAAGAAAAAAGGTCTCTTAAGTAATA-3'
Protein context (NP_000042.3, residues 1748-1768): SFWEIYKMTT[Asp1758Glu]PMLAYLQPFR

ClinVar aggregate classification (germline): Uncertain significance. Review status: criteria provided, multiple submitters, no conflicts (2 of 4 stars). 3 submissions from 3 submitters: Uncertain significance (3). Last evaluated 2024-03-09.

Conditions:
Hereditary cancer-predisposing syndrome. Also called: Tumor predisposition; Neoplastic Syndromes, Hereditary; Hereditary Cancer Syndrome; Hereditary neoplastic syndrome. Identifiers: Orphanet 140162, MedGen C0027672, MeSH D009386, MONDO:0015356.
Ataxia-telangiectasia syndrome (AT). Also called: Ataxia-telangiectasia; Ataxia-telangiectasia, complementation group D; AT, COMPLEMENTATION GROUP C; LOUIS-BAR SYNDROME; Cerebello-oculocutaneous telangiectasia; Immunodeficiency with ataxia telangiectasia. Identifiers: Orphanet 100, MedGen C0004135, MONDO:0008840, OMIM 208900.

Allele frequency attached by ClinVar (database versions not stated): gnomAD exomes below 0.00001; TOPMed below 0.00001.
gnomAD v4.1: 1 of 1,613,706 alleles (0.000062%); highest among the groups gnomAD compares: Non-Finnish European, 0.000085%; no homozygotes.

Submissions (3):

Ambry Genetics
Classification: Uncertain significance for Hereditary cancer-predisposing syndrome. Last evaluated: 2024-03-09. Review status: criteria provided, single submitter. Criteria: Ambry Variant Classification Scheme 2023. Collection method: clinical testing. Allele origin: germline.
Comment: The p.D1758E variant (also known as c.5274T>A), located in coding exon 34 of the ATM gene, results from a T to A substitution at nucleotide position 5274. The aspartic acid at codon 1758 is replaced by glutamic acid, an amino acid with highly similar properties. This amino acid position is conserved. In addition, this alteration is predicted to be tolerated by in silico analysis. Based on the available evidence, the clinical significance of this alteration remains unclear.

Labcorp Genetics (formerly Invitae), Labcorp
Classification: Uncertain significance for Ataxia-telangiectasia syndrome. Last evaluated: 2021-09-02. Review status: criteria provided, single submitter. Criteria: Invitae Variant Classification Sherloc (09022015). Collection method: clinical testing. Allele origin: germline.
Comment: This sequence change replaces aspartic acid with glutamic acid at codon 1758 of the ATM protein (p.Asp1758Glu). The aspartic acid residue is moderately conserved and there is a small physicochemical difference between aspartic acid and glutamic acid. This variant is not present in population databases (ExAC no frequency). This variant has not been reported in the literature in individuals affected with ATM-related conditions. Algorithms developed to predict the effect of missense changes on protein structure and function (SIFT, PolyPhen-2, Align-GVGD) all suggest that this variant is likely to be tolerated. In summary, the available evidence is currently insufficient to determine the role of this variant in disease. Therefore, it has been classified as a Variant of Uncertain Significance.

Color Diagnostics, LLC DBA Color Health
Classification: Uncertain significance for Hereditary cancer-predisposing syndrome. Last evaluated: 2019-10-23. Review status: criteria provided, single submitter. Criteria: ACMG Guidelines, 2015. Collection method: clinical testing. Allele origin: germline.
Comment: This missense variant replaces aspartic acid with glutamic acid at codon 1758 of the ATM protein. Computational prediction suggests that this variant may not impact protein structure and function (internally defined REVEL score threshold <= 0.5, PMID: 27666373). Splice site prediction tools suggest that this variant may not impact RNA splicing. To our knowledge, functional studies have not been performed for this variant. This variant has not been reported in individuals affected with hereditary cancer in the literature. This variant has been identified in 1/251176 chromosomes in the general population by the Genome Aggregation Database (gnomAD). The available evidence is insufficient to determine the role of this variant in disease conclusively. Therefore, this variant is classified as a Variant of Uncertain Significance.